The following is an entry in ClinVar:

ClinVar aggregate classification (germline): Conflicting classifications of pathogenicity. Review status: criteria provided, conflicting classifications (1 of 4 stars). 2 submissions from 2 submitters: Uncertain significance (1); Likely benign (1). Last evaluated 2025-10-05.

Conditions:
Hereditary cancer-predisposing syndrome. Also called: Neoplastic Syndromes, Hereditary; Hereditary Cancer Syndrome; Hereditary neoplastic syndrome; Tumor predisposition. Identifiers: Orphanet 140162, MedGen C0027672, MeSH D009386, MONDO:0015356.
Fanconi anemia complementation group J. Also called: BRIP1-Related Fanconi Anemia. Identifiers: Orphanet 84, MedGen C1836860, MONDO:0012187, OMIM 609054.
Familial cancer of breast. Also called: hereditary breast carcinoma; BREAST CANCER, FAMILIAL; Hereditary breast cancer. Identifiers: Orphanet 227535, MedGen C0346153, MONDO:0016419, OMIM 114480. Disease mechanism: loss of function.

Allele frequency attached by ClinVar (database versions not stated): TOPMed below 0.00001; gnomAD 0.00001.
gnomAD v4.1: 1 of 1,608,920 alleles (0.000062%); no homozygotes.

Submissions (2):

Labcorp Genetics (formerly Invitae), Labcorp
Classification: Uncertain significance for Familial cancer of breast; Fanconi anemia complementation group J. Last evaluated: 2025-10-05. Review status: criteria provided, single submitter. Criteria: Invitae Variant Classification Sherloc (09022015). Collection method: clinical testing. Allele origin: germline.
Comment: This sequence change replaces glycine, which is neutral and non-polar, with serine, which is neutral and polar, at codon 1247 of the BRIP1 protein (p.Gly1247Ser). This variant is not present in population databases (gnomAD no frequency). This variant has not been reported in the literature in individuals affected with BRIP1-related conditions. ClinVar contains an entry for this variant (Variation ID: 824144). Invitae Evidence Modeling of protein sequence and biophysical properties (such as structural, functional, and spatial information, amino acid conservation, physicochemical variation, residue mobility, and thermodynamic stability) indicates that this missense variant is not expected to disrupt BRIP1 protein function with a negative predictive value of 95%. In summary, the available evidence is currently insufficient to determine the role of this variant in disease. Therefore, it has been classified as a Variant of Uncertain Significance.

Ambry Genetics
Classification: Likely benign for Hereditary cancer-predisposing syndrome. Last evaluated: 2019-11-13. Review status: criteria provided, single submitter. Criteria: Ambry Variant Classification Scheme 2023. Collection method: clinical testing. Allele origin: germline.

NM_032043.3(BRIP1):c.3739G>A (p.Gly1247Ser)

Gene: BRIP1 (BRCA1 interacting DNA helicase 1; minus strand). Cytogenetic location: 17q23.2.
Variant type: single nucleotide variant.
Coding change: c.3739G>A on transcript NM_032043.3 (MANE Select); coding-DNA position 3739, G replaced by A.
Protein change: p.Gly1247Ser; replaces glycine 1247 with serine.
Molecular consequence: missense variant.
Genome position (GRCh38, 1-based): chr17:61,683,307, C>T on the plus strand (G>A on the coding strand, the complement: BRIP1 is on the minus strand). VCF-style: chr17-61683307-C-T. GRCh37 (hg19) VCF-style: chr17-59760668-C-T.
Other names: short protein forms G1247S.
Identifiers: ClinVar variation 824144 (VCV000824144.9), dbSNP rs1196057129, ClinGen allele CA400477712.